The following is an entry in ClinVar:

ClinVar aggregate classification (germline): Likely benign. Review status: criteria provided, multiple submitters, no conflicts (2 of 4 stars). 3 submissions from 3 submitters: Likely benign (3). Last evaluated 2025-09-28.

Conditions:
Autosomal recessive limb-girdle muscular dystrophy type 2J (LGMDR10). Also called: Limb-girdle muscular dystrophy, type 2J; MUSCULAR DYSTROPHY, LIMB-GIRDLE, AUTOSOMAL RECESSIVE 10. Identifiers: Orphanet 140922, MedGen C1837342, MONDO:0012127, OMIM 608807.
Dilated cardiomyopathy 1G (CMD1G). Identifiers: Orphanet 154, MedGen C1858763, MONDO:0011400, OMIM 604145.

Allele frequency attached by ClinVar (database versions not stated): gnomAD 0.00001; gnomAD exomes 0.00001 and 0.00003; TOPMed 0.00001; ExAC 0.00002.

Submissions (3):

Labcorp Genetics (formerly Invitae), Labcorp
Classification: Likely benign for Dilated cardiomyopathy 1G; Autosomal recessive limb-girdle muscular dystrophy type 2J. Last evaluated: 2025-09-28. Review status: criteria provided, single submitter. Criteria: Invitae Variant Classification Sherloc (09022015). Collection method: clinical testing. Allele origin: germline.

Blueprint Genetics
Classification: Likely benign. Last evaluated: 2019-08-26. Review status: criteria provided, single submitter. Criteria: ACMG Guidelines, 2015. Collection method: clinical testing. Allele origin: germline.

GeneDx
Classification: Likely benign. Last evaluated: 2016-08-30. Review status: criteria provided, single submitter. Criteria: GeneDx Variant Classification (06012015). Collection method: clinical testing. Allele origin: germline. Affected: yes.
Comment: This variant is considered likely benign or benign based on one or more of the following criteria: it is a conservative change, it occurs at a poorly conserved position in the protein, it is predicted to be benign by multiple in silico algorithms, and/or has population frequency not consistent with disease.

NM_001267550.2(TTN):c.24957T>C (p.Ala8319=)

Gene: TTN (titin; minus strand). Cytogenetic location: 2q31.2.
Variant type: single nucleotide variant.
Coding change: c.24957T>C on transcript NM_001267550.2 (MANE Select); coding-DNA position 24957, T replaced by C.
Protein change: p.Ala8319=; no amino-acid change (alanine 8319 retained).
Molecular consequence: synonymous variant. On other transcripts: intron variant (3).
Genome position (GRCh38, 1-based): chr2:178,718,049, A>G on the plus strand (T>C on the coding strand, the complement: TTN is on the minus strand). VCF-style: chr2-178718049-A-G. GRCh37 (hg19) VCF-style: chr2-179582776-A-G.
Other names: c.24006T>C, p.Ala8002= (NM_001256850.1); c.21225T>C, p.Ala7075= (NM_133378.4); c.13282+20033T>C (NM_003319.4); c.13858+20033T>C (NM_133437.4); c.13657+20033T>C (NM_133432.3).
Identifiers: ClinVar variation 388973 (VCV000388973.13), dbSNP rs758868965, ClinGen allele CA2000313.
Genomic context (GRCh38, chr2:178,718,049, plus strand): 5'-GTCTGCCTTGCATGAATACTCTCCCACATCACTGTGATCCACTTTGTTGATTACTAAGGA[A>G]GCAACGTTATTTTTGAATTGCATTTTATATGCAGGAGCTGATCGTAGCTTTGTGTGTTCT-3'
Protein context (NP_001254479.2, residues 8309-8329): AYKMQFKNNV[Ala8319=]SLVINKVDHS